The following is an entry in ClinVar:

ClinVar aggregate classification (germline): Likely benign. Review status: criteria provided, single submitter (1 of 4 stars). 2 submissions from 2 submitters: Likely benign (1). 1 of the submissions does not count toward it. Last evaluated 2025-10-15.

Conditions:
ALG2-related disorder. Also called: ALG2-related condition.
Congenital myasthenic syndrome 14. Also called: Myasthenic syndrome, congenital, 14, with tubular aggregates. Identifiers: Orphanet 353327, Orphanet 590, MedGen C4015597, MONDO:0014543, OMIM 616228.
Congenital disorder of glycosylation, type Ii. Also called: ALG2-congenital disorder of glycosylation; ALG2-CDG; CDG Ii. Identifiers: Orphanet 79326, MedGen C1842836, MONDO:0011933, OMIM 607906.

Allele frequency attached by ClinVar (database versions not stated): ExAC 0.00003; TOPMed 0.00007; gnomAD 0.00005.
gnomAD v4.1: 301 of 1,614,112 alleles (0.019%); highest among the groups gnomAD compares: Non-Finnish European, 0.025%; no homozygotes.

Submissions (2):

Labcorp Genetics (formerly Invitae), Labcorp
Classification: Likely benign for Congenital disorder of glycosylation, type Ii; Congenital myasthenic syndrome 14. Last evaluated: 2025-10-15. Review status: criteria provided, single submitter. Criteria: Invitae Variant Classification Sherloc (09022015). Collection method: clinical testing. Allele origin: germline.

PreventionGenetics, part of Exact Sciences
Classification: Likely benign for ALG2-related condition. Last evaluated: 2019-08-16. Review status: no assertion criteria provided. Collection method: clinical testing. Allele origin: germline. Not counted in ClinVar's aggregate classification.
Comment: This variant is classified as likely benign based on ACMG/AMP sequence variant interpretation guidelines (Richards et al. 2015 PMID: 25741868, with internal and published modifications).

NM_033087.4(ALG2):c.1200T>C (p.Pro400=)

Gene: ALG2 (ALG2 alpha-1,3/1,6-mannosyltransferase; minus strand). Cytogenetic location: 9q22.33.
Variant type: single nucleotide variant.
Coding change: c.1200T>C on transcript NM_033087.4 (MANE Select); coding-DNA position 1200, T replaced by C.
Protein change: p.Pro400=; no amino-acid change (proline 400 retained).
Molecular consequence: synonymous variant. On other transcripts: non-coding transcript variant (1).
Genome position (GRCh38, 1-based): chr9:99,217,985, A>G on the plus strand (T>C on the coding strand, the complement: ALG2 is on the minus strand). VCF-style: chr9-99217985-A-G. GRCh37 (hg19) VCF-style: chr9-101980267-A-G.
Identifiers: ClinVar variation 533480 (VCV000533480.13), dbSNP rs764916897, ClinGen allele CA5156189.